The following is an entry in ClinVar:

ClinVar aggregate classification (germline): Uncertain significance (1 of 4 stars; one submission).

Allele frequency attached by ClinVar (database versions not stated): gnomAD exomes 0.00001.
gnomAD v4.1: 14 of 1,606,728 alleles (0.00087%); highest among the groups gnomAD compares: East Asian, 0.0022%; no homozygotes.

Submission:

Labcorp Genetics (formerly Invitae), Labcorp
Classification: Uncertain significance. Last evaluated: 2022-11-20. Review status: criteria provided, single submitter. Criteria: Invitae Variant Classification Sherloc (09022015). Collection method: clinical testing. Allele origin: germline.
Comment: In summary, the available evidence is currently insufficient to determine the role of this variant in disease. Therefore, it has been classified as a Variant of Uncertain Significance. Algorithms developed to predict the effect of missense changes on protein structure and function are either unavailable or do not agree on the potential impact of this missense change (SIFT: "Tolerated"; PolyPhen-2: "Probably Damaging"; Align-GVGD: "Class C0"). This variant has not been reported in the literature in individuals affected with RAB11B-related conditions. The frequency data for this variant in the population databases is considered unreliable, as metrics indicate poor data quality at this position in the gnomAD database. This sequence change replaces arginine, which is basic and polar, with histidine, which is basic and polar, at codon 104 of the RAB11B protein (p.Arg104His).

NM_004218.4(RAB11B):c.311G>A (p.Arg104His)

Gene: RAB11B (RAB11B, member RAS oncogene family; plus strand). Cytogenetic location: 19p13.2.
Variant type: single nucleotide variant.
Coding change: c.311G>A on transcript NM_004218.4 (MANE Select); coding-DNA position 311, G replaced by A.
Protein change: p.Arg104His; replaces arginine 104 with histidine.
Molecular consequence: missense variant.
Genome position (GRCh38, 1-based): chr19:8,402,160, G>A. VCF-style: chr19-8402160-G-A. GRCh37 (hg19) VCF-style: chr19-8467044-G-A.
Other names: short protein forms R104H.
Identifiers: ClinVar variation 2781040 (VCV002781040.3), dbSNP rs1272779232, ClinGen allele CA403712327.